The following is an entry in ClinVar:

NM_006565.4(CTCF):c.431A>C (p.Lys144Thr)

Gene: CTCF (CCCTC-binding factor; plus strand). Cytogenetic location: 16q22.1.
Variant type: single nucleotide variant.
Coding change: c.431A>C on transcript NM_006565.4 (MANE Select); coding-DNA position 431, A replaced by C.
Protein change: p.Lys144Thr; replaces lysine 144 with threonine.
Molecular consequence: missense variant. On other transcripts: intron variant (1).
Genome position (GRCh38, 1-based): chr16:67,611,263, A>C. VCF-style: chr16-67611263-A-C. GRCh37 (hg19) VCF-style: chr16-67645166-A-C.
Other names: c.431A>C, p.Lys144Thr (NM_001363916.2, NM_001438968.1, NM_001438969.1); c.-32-5482A>C (NM_001191022.2); short protein forms K144T.
Identifiers: ClinVar variation 4537610 (VCV004537610.1).

ClinVar aggregate classification (germline): Uncertain significance (1 of 4 stars; one submission).

Submission:

GeneDx
Classification: Uncertain significance. Last evaluated: 2025-06-11. Review status: criteria provided, single submitter. Criteria: GeneDx Variant Classification Process June 2021. Collection method: clinical testing. Allele origin: germline. Affected: yes.
Comment: Not observed at significant frequency in large population cohorts (gnomAD); In silico analysis suggests that this missense variant does not alter protein structure/function; Has not been previously published as pathogenic or benign to our knowledge